The following is an entry in ClinVar:

NM_001288705.3(CSF1R):c.2499G>A (p.Thr833=)

Gene: CSF1R (colony stimulating factor 1 receptor; minus strand). Cytogenetic location: 5q32.
Variant type: single nucleotide variant.
Coding change: c.2499G>A on transcript NM_001288705.3 (MANE Select); coding-DNA position 2499, G replaced by A.
Protein change: p.Thr833=; no amino-acid change (threonine 833 retained).
Molecular consequence: synonymous variant. On other transcripts: non-coding transcript variant (2).
Genome position (GRCh38, 1-based): chr5:150,056,081, C>T on the plus strand (G>A on the coding strand, the complement: CSF1R is on the minus strand). VCF-style: chr5-150056081-C-T. GRCh37 (hg19) VCF-style: chr5-149435644-C-T.
Other names: c.2499G>A, p.Thr833= (NM_001349736.2, NM_001375320.1, NM_005211.4); c.2055G>A, p.Thr685= (NM_001375321.1).
Identifiers: ClinVar variation 352134 (VCV000352134.12), dbSNP rs149872699, ClinGen allele CA3506421.

ClinVar aggregate classification (germline): Benign. Review status: criteria provided, multiple submitters, no conflicts (2 of 4 stars). 2 submissions from 2 submitters: Benign (2). Last evaluated 2025-11-02.

Conditions:
Hereditary diffuse leukoencephalopathy with spheroids. Also called: LEUKOENCEPHALOPATHY, ADULT-ONSET, WITH AXONAL SPHEROIDS AND PIGMENTED GLIA. Identifiers: Orphanet 313808, MedGen C3711381, MONDO:0030796.

Allele frequency attached by ClinVar (database versions not stated): gnomAD 0.00004 and 0.00005; ESP Exome Variant Server 0.00008; TOPMed 0.00008; gnomAD exomes 0.00009 and 0.00017; ExAC 0.00015; 1000 Genomes Project 30x 0.00016; 1000 Genomes Project 0.00020.
gnomAD v4.1: 142 of 1,614,230 alleles (0.0088%); highest among the groups gnomAD compares: East Asian, 0.23%; no homozygotes.

Submissions (2):

Labcorp Genetics (formerly Invitae), Labcorp
Classification: Benign. Last evaluated: 2025-11-02. Review status: criteria provided, single submitter. Criteria: Invitae Variant Classification Sherloc (09022015). Collection method: clinical testing. Allele origin: germline.

Illumina Laboratory Services, Illumina
Classification: Benign for Leukoencephalopathy, diffuse hereditary, with spheroids 1. Last evaluated: 2018-01-12. Review status: criteria provided, single submitter. Criteria: ICSL Variant Classification Criteria 13 December 2019. Collection method: clinical testing. Allele origin: germline.
Comment: This variant was observed in the ICSL laboratory as part of a predisposition screen in an ostensibly healthy population. It had not been previously curated by ICSL or reported in the Human Gene Mutation Database (HGMD: prior to June 1st, 2018), and was therefore a candidate for classification through an automated scoring system. Utilizing variant allele frequency, disease prevalence and penetrance estimates, and inheritance mode, an automated score was calculated to assess if this variant is too frequent to cause the disease. Based on the score and internal cut-off values, a variant classified as benign is not then subjected to further curation. The score for this variant resulted in a classification of benign for this disease.